The following is an entry in ClinVar:

NM_152263.4(TPM3):c.395A>G (p.Glu132Gly)

Gene: TPM3 (tropomyosin 3; minus strand). Cytogenetic location: 1q21.3.
Variant type: single nucleotide variant.
Coding change: c.395A>G on transcript NM_152263.4 (MANE Select); coding-DNA position 395, A replaced by G.
Protein change: p.Glu132Gly; replaces glutamic acid 132 with glycine.
Molecular consequence: missense variant. On other transcripts: non-coding transcript variant (1).
Genome position (GRCh38, 1-based): chr1:154,173,184, T>C on the plus strand (A>G on the coding strand, the complement: TPM3 is on the minus strand). VCF-style: chr1-154173184-T-C. GRCh37 (hg19) VCF-style: chr1-154145660-T-C.
Other names: c.284A>G, p.Glu95Gly (NM_001043351.2, NM_001043352.2, NM_001043353.2 and 5 more transcripts); c.86A>G, p.Glu29Gly (NM_001278188.2); c.14A>G, p.Glu5Gly (NM_001278191.2); c.395A>G, p.Glu132Gly (NM_001364679.2, NM_001364680.2, NM_001364681.2 and 1 more transcripts); short protein forms E95G, E29G, E5G, E132G.
Identifiers: ClinVar variation 5001325 (VCV005001325.1).

ClinVar aggregate classification (germline): Likely pathogenic (1 of 4 stars; one submission).

Conditions:
TPM3-related disorder. Also called: TPM3-related condition.

Submission:

PreventionGenetics, part of Exact Sciences
Classification: Likely pathogenic for TPM3-related condition. Last evaluated: 2024-10-11. Review status: criteria provided, single submitter. Criteria: ACMG Guidelines, 2015. Collection method: clinical testing. Allele origin: germline.
Comment: The TPM3 c.395A>G variant is predicted to result in the amino acid substitution p.Glu132Gly. To our knowledge, this variant has not been reported in the literature or in a large population database (gnomAD), indicating this variant is rare. This variant is interpreted as likely pathogenic.